The following is an entry in ClinVar:

ClinVar aggregate classification (germline): Likely benign. Review status: criteria provided, multiple submitters, no conflicts (2 of 4 stars). 2 submissions from 2 submitters: Likely benign (2). Last evaluated 2024-10-12.

Allele frequency attached by ClinVar (database versions not stated): gnomAD 0.00002; gnomAD exomes 0.00002; TOPMed 0.00002; ExAC 0.00007; 1000 Genomes Project 30x 0.00016; 1000 Genomes Project 0.00020.
gnomAD v4.1: 28 of 1,605,314 alleles (0.0017%); highest among the groups gnomAD compares: Middle Eastern, 0.018%; no homozygotes.

Submissions (2):

Labcorp Genetics (formerly Invitae), Labcorp
Classification: Likely benign. Last evaluated: 2024-10-12. Review status: criteria provided, single submitter. Criteria: Invitae Variant Classification Sherloc (09022015). Collection method: clinical testing. Allele origin: germline.

CeGaT Center for Human Genetics Tuebingen
Classification: Likely benign. Last evaluated: 2023-01-01. Review status: criteria provided, single submitter. Criteria: CeGaT Center For Human Genetics Tuebingen Variant Classification Criteria Version 2. Collection method: clinical testing. Allele origin: germline. Affected: yes. Observed: 1 variant allele.
Comment: BRD4: BP4, BP7

NM_001379291.1(BRD4):c.2445C>T (p.Ser815=)

Gene: BRD4 (bromodomain containing 4; minus strand). Cytogenetic location: 19p13.12.
Variant type: single nucleotide variant.
Coding change: c.2445C>T on transcript NM_001379291.1 (MANE Select); coding-DNA position 2445, C replaced by T.
Protein change: p.Ser815=; no amino-acid change (serine 815 retained).
Molecular consequence: synonymous variant.
Genome position (GRCh38, 1-based): chr19:15,244,367, G>A on the plus strand (C>T on the coding strand, the complement: BRD4 is on the minus strand). VCF-style: chr19-15244367-G-A. GRCh37 (hg19) VCF-style: chr19-15355178-G-A.
Other names: c.2445C>T, p.Ser815= (NM_058243.3).
Identifiers: ClinVar variation 2649451 (VCV002649451.26), dbSNP rs558389129, ClinGen allele CA9264946.
Genomic context (GRCh38, chr19:15,244,367, plus strand): 5'-CAGCTCAGGCTGCGGCAGGTGCAGGATGGGCTGGGTGAAGTGGCCGATGGGGTCAAAGAC[G>A]CTGCCTGGGAGCTGGGGCTCCAGGACGGGCACCTGGGTGGCAATGAAGGGTGGGGGCGAG-3'
Protein context (NP_001366220.1, residues 805-825): VPVLEPQLPG[Ser815=]VFDPIGHFTQ